The following is an entry in ClinVar:

NM_001903.5(CTNNA1):c.607C>T (p.His203Tyr)

Gene: CTNNA1 (catenin alpha 1; plus strand). Cytogenetic location: 5q31.2.
Variant type: single nucleotide variant.
Coding change: c.607C>T on transcript NM_001903.5 (MANE Select); coding-DNA position 607, C replaced by T.
Protein change: p.His203Tyr; replaces histidine 203 with tyrosine.
Molecular consequence: missense variant.
Genome position (GRCh38, 1-based): chr5:138,824,548, C>T. VCF-style: chr5-138824548-C-T. GRCh37 (hg19) VCF-style: chr5-138160237-C-T.
Other names: c.607C>T, p.His203Tyr (NM_001290307.3, NM_001323982.2, NM_001323983.1 and 3 more transcripts); c.298C>T, p.His100Tyr (NM_001290309.3); c.238C>T, p.His80Tyr (NM_001290310.3); short protein forms H203Y, H100Y, H80Y.
Identifiers: ClinVar variation 408998 (VCV000408998.17), dbSNP rs1060502218, ClinGen allele CA16611784.

ClinVar aggregate classification (germline): Uncertain significance. Review status: criteria provided, multiple submitters, no conflicts (2 of 4 stars). 4 submissions from 4 submitters: Uncertain significance (4). Last evaluated 2025-03-17.

Conditions:
Patterned macular dystrophy 2. Identifiers: Orphanet 99001, MedGen C1837029, MONDO:0012162, OMIM 608970.
Hereditary cancer-predisposing syndrome. Also called: Neoplastic Syndromes, Hereditary; Tumor predisposition; Hereditary Cancer Syndrome; Hereditary neoplastic syndrome. Identifiers: Orphanet 140162, MedGen C0027672, MeSH D009386, MONDO:0015356.

Allele frequency attached by ClinVar (database versions not stated): gnomAD exomes below 0.00001; TOPMed below 0.00001; gnomAD 0.00001.
gnomAD v4.1: 3 of 1,613,628 alleles (0.00019%); highest among the groups gnomAD compares: East Asian, 0.0045%; no homozygotes.

Submissions (4):

Labcorp Genetics (formerly Invitae), Labcorp
Classification: Uncertain significance. Last evaluated: 2025-03-17. Review status: criteria provided, single submitter. Criteria: Invitae Variant Classification Sherloc (09022015). Collection method: clinical testing. Allele origin: germline.
Comment: This sequence change replaces histidine, which is basic and polar, with tyrosine, which is neutral and polar, at codon 203 of the CTNNA1 protein (p.His203Tyr). This variant is not present in population databases (gnomAD no frequency). This variant has not been reported in the literature in individuals affected with CTNNA1-related conditions. ClinVar contains an entry for this variant (Variation ID: 408998). Invitae Evidence Modeling of protein sequence and biophysical properties (such as structural, functional, and spatial information, amino acid conservation, physicochemical variation, residue mobility, and thermodynamic stability) indicates that this missense variant is not expected to disrupt CTNNA1 protein function with a negative predictive value of 80%. In summary, the available evidence is currently insufficient to determine the role of this variant in disease. Therefore, it has been classified as a Variant of Uncertain Significance.

Blueprint Genetics
Classification: Uncertain significance. Last evaluated: 2024-08-30. Review status: criteria provided, single submitter. Criteria: ACMG Guidelines, 2015. Collection method: clinical testing. Allele origin: germline.

Ambry Genetics
Classification: Uncertain significance for Hereditary cancer-predisposing syndrome. Last evaluated: 2024-06-03. Review status: criteria provided, single submitter. Criteria: Ambry Variant Classification Scheme 2023. Collection method: clinical testing. Allele origin: germline.
Comment: The p.H203Y variant (also known as c.607C>T), located in coding exon 5 of the CTNNA1 gene, results from a C to T substitution at nucleotide position 607. The histidine at codon 203 is replaced by tyrosine, an amino acid with similar properties. This amino acid position is well conserved in available vertebrate species. In addition, this alteration is predicted to be tolerated by in silico analysis. The evidence for this gene-disease relationship is limited; therefore, the clinical significance of this alteration is unclear.

Baylor Genetics
Classification: Uncertain significance for Patterned macular dystrophy 2. Last evaluated: 2023-05-12. Review status: criteria provided, single submitter. Criteria: ACMG Guidelines, 2015. Collection method: clinical testing. Allele origin: unknown.